The following is an entry in ClinVar:

NM_001113378.2(FANCI):c.1412C>G (p.Pro471Arg)

Gene: FANCI (FA complementation group I; plus strand). Cytogenetic location: 15q26.1.
Variant type: single nucleotide variant.
Coding change: c.1412C>G on transcript NM_001113378.2 (MANE Select); coding-DNA position 1412, C replaced by G.
Protein change: p.Pro471Arg; replaces proline 471 with arginine.
Molecular consequence: missense variant.
Genome position (GRCh38, 1-based): chr15:89,281,200, C>G. VCF-style: chr15-89281200-C-G. GRCh37 (hg19) VCF-style: chr15-89824431-C-G.
Other names: c.1133C>G, p.Pro378Arg (NM_001376910.1); c.1412C>G, p.Pro471Arg (NM_001376911.1, NM_018193.3); short protein forms P471R, P378R.
Identifiers: ClinVar variation 408243 (VCV000408243.14), dbSNP rs139072231, ClinGen allele CA7723020.

ClinVar aggregate classification (germline): Uncertain significance. Review status: criteria provided, multiple submitters, no conflicts (2 of 4 stars). 6 submissions from 6 submitters: Uncertain significance (6). Last evaluated 2024-11-06.

Conditions:
Fanconi anemia (FA). Also called: Fanconi's anemia. Identifiers: Orphanet 84, MedGen C0015625, MeSH D005199, MONDO:0019391.
Fanconi anemia complementation group I (FANCI). Also called: FANCI-Related Fanconi Anemia. Identifiers: Orphanet 84, MedGen C1836861, MONDO:0012186, OMIM 609053.

Allele frequency attached by ClinVar (database versions not stated): ExAC 0.00007; gnomAD 0.00007; TOPMed 0.00012; ESP Exome Variant Server 0.00031.
gnomAD v4.1: 136 of 1,613,386 alleles (0.0084%); highest among the groups gnomAD compares: Non-Finnish European, 0.011%; no homozygotes.

Submissions (6):

Blueprint Genetics
Classification: Uncertain significance. Last evaluated: 2024-11-06. Review status: criteria provided, single submitter. Criteria: ACMG Guidelines, 2015. Collection method: clinical testing. Allele origin: germline.

Fulgent Genetics
Classification: Uncertain significance for Fanconi anemia complementation group I. Last evaluated: 2024-03-19. Review status: criteria provided, single submitter. Criteria: ACMG Guidelines, 2015. Collection method: clinical testing. Allele origin: germline.

Labcorp Genetics (formerly Invitae), Labcorp
Classification: Uncertain significance for Fanconi anemia. Last evaluated: 2022-09-13. Review status: criteria provided, single submitter. Criteria: Invitae Variant Classification Sherloc (09022015). Collection method: clinical testing. Allele origin: germline.
Comment: This sequence change replaces proline, which is neutral and non-polar, with arginine, which is basic and polar, at codon 471 of the FANCI protein (p.Pro471Arg). This variant is present in population databases (rs139072231, gnomAD 0.01%). This variant has not been reported in the literature in individuals affected with FANCI-related conditions. ClinVar contains an entry for this variant (Variation ID: 408243). Advanced modeling of protein sequence and biophysical properties (such as structural, functional, and spatial information, amino acid conservation, physicochemical variation, residue mobility, and thermodynamic stability) performed at Invitae indicates that this missense variant is expected to disrupt FANCI protein function. In summary, the available evidence is currently insufficient to determine the role of this variant in disease. Therefore, it has been classified as a Variant of Uncertain Significance.

Institute for Clinical Genetics, University Hospital TU Dresden, University Hospital TU Dresden
Classification: Uncertain significance. Last evaluated: 2021-11-03. Review status: criteria provided, single submitter. Criteria: ACMG Guidelines, 2015. Collection method: clinical testing. Allele origin: germline.

GeneDx
Classification: Uncertain significance. Last evaluated: 2018-05-18. Review status: criteria provided, single submitter. Criteria: GeneDx Variant Classification (06012015). Collection method: clinical testing. Allele origin: germline. Affected: yes.
Comment: The P471R variant in the FANCI gene has not been reported previously as a pathogenic variant, nor as a benign variant, to our knowledge. The P471R variant is observed in 15/126,596 (0.01%) alleles from individuals of non-Finnish European background in large population cohorts (Lek et al., 2016). The P471R variant is a non-conservative amino acid substitution, which is likely to impact secondary protein structure as these residues differ in polarity, charge, size and/or other properties. In-silico analyses, including protein predictors and evolutionary conservation, support a deleterious effect. We interpret P471R as a variant of uncertain significance.

Breakthrough Genomics
Classification: Uncertain significance. Review status: criteria provided, single submitter. Criteria: ACMG Guidelines, 2015. Collection method: not provided. Allele origin: germline. Inheritance: Autosomal recessive inheritance. Affected: yes.